The following is an entry in ClinVar:

ClinVar aggregate classification (germline): Uncertain significance. Review status: criteria provided, multiple submitters, no conflicts (2 of 4 stars). 2 submissions from 2 submitters: Uncertain significance (2). Last evaluated 2019-05-02.

Conditions:
Cerebral arteriopathy, autosomal dominant, with subcortical infarcts and leukoencephalopathy, type 1 (CADASIL1). Also called: CADASIL 1; Cerebral arteriopathy with subcortical infarcts and leukoencephalopathy 1; CASIL; DEMENTIA, HEREDITARY MULTIINFARCT TYPE. Identifiers: Orphanet 136, MedGen C4551768, MONDO:0000914, OMIM 125310.

Allele frequency attached by ClinVar (database versions not stated): gnomAD 0.00001; TOPMed 0.00001.
gnomAD v4.1: 11 of 1,538,032 alleles (0.00072%); highest among the groups gnomAD compares: African/African-American, 0.0014%; no homozygotes.

Submissions (2):

ARUP Laboratories, Molecular Genetics and Genomics, ARUP Laboratories
Classification: Uncertain significance. Last evaluated: 2019-05-02. Review status: criteria provided, single submitter. Criteria: ARUP Molecular Germline Variant Investigation Process. Collection method: clinical testing. Allele origin: germline.
Comment: The NOTCH3 c.2329C>T; p.Pro777Ser variant (rs886054259), to our knowledge, is not reported in the medical literature but is reported in ClinVar (Variation ID: 328406). This variant is absent from general population databases (Exome Variant Server, Genome Aggregation Database), indicating it is not a common polymorphism. The proline at codon 777 is highly conserved, and computational analyses (SIFT, PolyPhen-2) predict that this variant is deleterious. Most NOTCH3 pathogenic variants involve the loss or addition of a cysteine residue, although there are several amino acid substitutions not involving cysteine that may be disease-associated (Muino 2017). However, due to limited information, the clinical significance of the p.Pro777Ser variant is uncertain at this time. References: Muino E et al. Systematic Review of Cysteine-Sparing NOTCH3 Missense Mutations in Patients with Clinical Suspicion of CADASIL. Int J Mol Sci. 2017 Sep 13;18(9). pii: E1964.

Illumina Laboratory Services, Illumina
Classification: Uncertain significance for Cerebral arteriopathy, autosomal dominant, with subcortical infarcts and leukoencephalopathy, type 1. Last evaluated: 2018-01-12. Review status: criteria provided, single submitter. Criteria: ICSL Variant Classification Criteria 13 December 2019. Collection method: clinical testing. Allele origin: germline.

NM_000435.3(NOTCH3):c.2329C>T (p.Pro777Ser)

Gene: NOTCH3 (notch receptor 3; minus strand). Cytogenetic location: 19p13.12.
Variant type: single nucleotide variant.
Coding change: c.2329C>T on transcript NM_000435.3 (MANE Select); coding-DNA position 2329, C replaced by T.
Protein change: p.Pro777Ser; replaces proline 777 with serine.
Molecular consequence: missense variant.
Genome position (GRCh38, 1-based): chr19:15,184,987, G>A on the plus strand (C>T on the coding strand, the complement: NOTCH3 is on the minus strand). VCF-style: chr19-15184987-G-A. GRCh37 (hg19) VCF-style: chr19-15295798-G-A.
Other names: short protein forms P777S.
Identifiers: ClinVar variation 328406 (VCV000328406.12), dbSNP rs886054259, ClinGen allele CA10652284.